The following is an entry in ClinVar:

NM_002234.4(KCNA5):c.1078A>G (p.Ile360Val)

Gene: KCNA5 (potassium voltage-gated channel subfamily A member 5; plus strand). Cytogenetic location: 12p13.32.
Variant type: single nucleotide variant.
Coding change: c.1078A>G on transcript NM_002234.4 (MANE Select); coding-DNA position 1078, A replaced by G.
Protein change: p.Ile360Val; replaces isoleucine 360 with valine.
Molecular consequence: missense variant.
Genome position (GRCh38, 1-based): chr12:5,045,225, A>G. VCF-style: chr12-5045225-A-G. GRCh37 (hg19) VCF-style: chr12-5154391-A-G.
Other names: short protein forms I360V.
Identifiers: ClinVar variation 1950173 (VCV001950173.5), dbSNP rs2497480037, ClinGen allele CA383465732.

ClinVar aggregate classification (germline): Uncertain significance (1 of 4 stars; one submission).

Conditions:
Atrial fibrillation, familial, 7 (ATFB7). Identifiers: MedGen C2677106, MONDO:0012828, OMIM 612240.

Allele frequency attached by ClinVar (database versions not stated): gnomAD exomes 0.00001.
gnomAD v4.1: 3 of 1,614,116 alleles (0.00019%); highest among the groups gnomAD compares: Non-Finnish European, 0.00025%; no homozygotes.

Submission:

Labcorp Genetics (formerly Invitae), Labcorp
Classification: Uncertain significance for Atrial fibrillation, familial, 7. Last evaluated: 2022-07-11. Review status: criteria provided, single submitter. Criteria: Invitae Variant Classification Sherloc (09022015). Collection method: clinical testing. Allele origin: germline.
Comment: In summary, the available evidence is currently insufficient to determine the role of this variant in disease. Therefore, it has been classified as a Variant of Uncertain Significance. Algorithms developed to predict the effect of missense changes on protein structure and function (SIFT, PolyPhen-2, Align-GVGD) all suggest that this variant is likely to be disruptive. This variant has not been reported in the literature in individuals affected with KCNA5-related conditions. This variant is not present in population databases (gnomAD no frequency). This sequence change replaces isoleucine, which is neutral and non-polar, with valine, which is neutral and non-polar, at codon 360 of the KCNA5 protein (p.Ile360Val).